The following is an entry in ClinVar:

NM_001267550.2(TTN):c.28620_28621del (p.Cys9540_Glu9541delinsTer)

Gene: TTN (titin; minus strand). Cytogenetic location: 2q31.2.
Variant type: Microsatellite.
Coding change: c.28620_28621del on transcript NM_001267550.2 (MANE Select); coding-DNA positions 28620 to 28621, 2 bases deleted (TG; older notation c.28620_28621delTG).
Protein change: p.Cys9540_Glu9541delinsTer.
Molecular consequence: nonsense. On other transcripts: frameshift variant (2), intron variant (3).
Genome position (GRCh38, 1-based): chr2:178,709,698-178,709,699, CA deleted on the plus strand (TG on the coding strand, the reverse complement: TTN is on the minus strand); deleting any 2 consecutive bases within chr2:178,709,698-178,709,701 gives the same sequence; the c. name uses the placement nearest the transcript's 3' end. VCF-style (leftmost placement, unchanged base first): chr2-178709697-TCA-T. GRCh37 (hg19) VCF-style: chr2-179574424-TCA-T.
Other names: c.27669_27670del, p.Cys9223_Glu9224delinsTer (NM_001256850.1); c.28618_28619TG[1], p.Cys9540Terfs (NM_001267550.1); c.24888_24889del, p.Cys8296_Glu8297delinsTer (NM_133378.4); c.13282+28383_13282+28384del (NM_003319.4); c.13858+28383_13858+28384del (NM_133437.4); c.13657+28383_13657+28384del (NM_133432.3); c.28620_28621del (NM_001267550.1).
Identifiers: ClinVar variation 3572427 (VCV003572427.1).

ClinVar aggregate classification (germline): Uncertain significance (1 of 4 stars; one submission).

Submission:

GeneDx
Classification: Uncertain significance. Last evaluated: 2024-07-11. Review status: criteria provided, single submitter. Criteria: GeneDx Variant Classification Process June 2021. Collection method: clinical testing. Allele origin: germline. Affected: yes.
Comment: Not observed at significant frequency in large population cohorts (gnomAD); Nonsense variant predicted to result in protein truncation or nonsense mediated decay in a gene or region of a gene for which loss of function is not a well-established mechanism of disease; Has not been previously published as pathogenic or benign to our knowledge